The following is an entry in ClinVar:

NM_175914.5(HNF4A):c.1150A>G (p.Asn384Asp)

Gene: HNF4A (hepatocyte nuclear factor 4 alpha; plus strand). Cytogenetic location: 20q13.12.
Variant type: single nucleotide variant.
Coding change: c.1150A>G on transcript NM_175914.5 (MANE Select); coding-DNA position 1150, A replaced by G.
Protein change: p.Asn384Asp; replaces asparagine 384 with aspartic acid.
Molecular consequence: missense variant.
Genome position (GRCh38, 1-based): chr20:44,428,421, A>G. VCF-style: chr20-44428421-A-G. GRCh37 (hg19) VCF-style: chr20-43057061-A-G.
Other names: c.1216A>G, p.Asn406Asp (NM_000457.6, NM_178849.3); c.1150A>G, p.Asn384Asp (NM_001030003.3); c.1195A>G, p.Asn399Asp (NM_001258355.2); c.1141A>G, p.Asn381Asp (NM_001287182.2, NM_001287183.2); short protein forms N384D, N381D, N406D, N399D.
Identifiers: ClinVar variation 1942732 (VCV001942732.5), dbSNP rs774500766, ClinGen allele CA9870486.

ClinVar aggregate classification (germline): Uncertain significance (1 of 4 stars; one submission).

Allele frequency attached by ClinVar (database versions not stated): gnomAD exomes below 0.00001; ExAC 0.00002.
gnomAD v4.1: 3 of 1,614,138 alleles (0.00019%); highest among the groups gnomAD compares: Non-Finnish European, 0.00025%; no homozygotes.

Submission:

Labcorp Genetics (formerly Invitae), Labcorp
Classification: Uncertain significance. Last evaluated: 2024-11-11. Review status: criteria provided, single submitter. Criteria: Invitae Variant Classification Sherloc (09022015). Collection method: clinical testing. Allele origin: germline.
Comment: This sequence change replaces asparagine, which is neutral and polar, with aspartic acid, which is acidic and polar, at codon 384 of the HNF4A protein (p.Asn384Asp). This variant is present in population databases (rs774500766, gnomAD 0.003%). This variant has not been reported in the literature in individuals affected with HNF4A-related conditions. ClinVar contains an entry for this variant (Variation ID: 1942732). Invitae Evidence Modeling of protein sequence and biophysical properties (such as structural, functional, and spatial information, amino acid conservation, physicochemical variation, residue mobility, and thermodynamic stability) has been performed for this missense variant. However, the output from this modeling did not meet the statistical confidence thresholds required to predict the impact of this variant on HNF4A protein function. In summary, the available evidence is currently insufficient to determine the role of this variant in disease. Therefore, it has been classified as a Variant of Uncertain Significance.